The following is an entry in ClinVar:

ClinVar aggregate classification (germline): Benign. Review status: criteria provided, single submitter (1 of 4 stars). 2 submissions from 2 submitters: Benign (1). 1 of the submissions does not count toward it. Last evaluated 2026-09-01.

Conditions:
NUP188-related disorder. Also called: NUP188-related condition.

Allele frequency attached by ClinVar (database versions not stated): gnomAD 0.00387 and 0.00427; 1000 Genomes Project 30x 0.00437; 1000 Genomes Project 0.00459; TOPMed 0.00481; gnomAD exomes 0.00529; ExAC 0.00530; ESP Exome Variant Server 0.00369.
gnomAD v4.1: 8,944 of 1,614,222 alleles (0.55%); highest among the groups gnomAD compares: South Asian, 1.5%; 50 homozygotes.

Submissions (2):

CeGaT Center for Human Genetics Tuebingen
Classification: Benign. Last evaluated: 2026-09-01. Review status: criteria provided, single submitter. Criteria: CeGaT Center For Human Genetics Tuebingen Variant Classification Criteria Version 2. Collection method: clinical testing. Allele origin: germline. Affected: yes. Observed: 30 variant alleles.
Comment: NUP188: BP4, BS1, BS2

PreventionGenetics, part of Exact Sciences
Classification: Benign for NUP188-related condition. Last evaluated: 2024-02-09. Review status: no assertion criteria provided. Collection method: clinical testing. Allele origin: germline. Not counted in ClinVar's aggregate classification.
Comment: This variant is classified as benign based on ACMG/AMP sequence variant interpretation guidelines (Richards et al. 2015 PMID: 25741868, with internal and published modifications).

NM_015354.3(NUP188):c.3780G>T (p.Glu1260Asp)

Gene: NUP188 (nucleoporin 188; plus strand). Cytogenetic location: 9q34.11.
Variant type: single nucleotide variant.
Coding change: c.3780G>T on transcript NM_015354.3 (MANE Select); coding-DNA position 3780, G replaced by T.
Protein change: p.Glu1260Asp; replaces glutamic acid 1260 with aspartic acid.
Molecular consequence: missense variant.
Genome position (GRCh38, 1-based): chr9:128,999,742, G>T. VCF-style: chr9-128999742-G-T. GRCh37 (hg19) VCF-style: chr9-131762021-G-T.
Other names: c.3780G>T (NM_015354.2); short protein forms E1260D.
Identifiers: ClinVar variation 1695270 (VCV001695270.32), dbSNP rs147959429, ClinGen allele CA5273070.